The following is an entry in ClinVar:

ClinVar aggregate classification (germline): Uncertain significance (1 of 4 stars; one submission).

Conditions:
Joubert syndrome 17 (JBTS17). Identifiers: Orphanet 475, MedGen C3553264, MONDO:0013824, OMIM 614615.

Allele frequency attached by ClinVar (database versions not stated): TOPMed below 0.00001; gnomAD exomes 0.00001; ExAC 0.00005.

Submission:

Laboratorio de Genetica e Diagnostico Molecular, Hospital Israelita Albert Einstein
Classification: Uncertain significance for Joubert syndrome 17. Last evaluated: 2022-09-26. Review status: criteria provided, single submitter. Criteria: ACMG Guidelines, 2015. Collection method: clinical testing. Allele origin: germline. Affected: yes. Observed: 1 variant allele.
Comment: ACMG classification criteria: PM2 moderated, PM3 moderated, PP1 supporting

NM_001384732.1(CPLANE1):c.2949A>G (p.Gln983=)

Gene: CPLANE1 (ciliogenesis and planar polarity effector complex subunit 1; minus strand). Cytogenetic location: 5p13.2.
Variant type: single nucleotide variant.
Coding change: c.2949A>G on transcript NM_001384732.1 (MANE Select); coding-DNA position 2949, A replaced by G.
Protein change: p.Gln983=; no amino-acid change (glutamine 983 retained).
Molecular consequence: synonymous variant.
Genome position (GRCh38, 1-based): chr5:37,206,397, T>C on the plus strand (A>G on the coding strand, the complement: CPLANE1 is on the minus strand). VCF-style: chr5-37206397-T-C. GRCh37 (hg19) VCF-style: chr5-37206499-T-C.
Other names: c.2949A>G, p.Gln983= (NM_023073.4).
Identifiers: ClinVar variation 2431894 (VCV002431894.1), dbSNP rs760920452, ClinGen allele CA3239002.
Genomic context (GRCh38, chr5:37,206,397, plus strand): 5'-TTCAACTGTCCACACATTAGAGAGATTCTGATCTCTAACAACACTGGCCACCTTAGAGTG[T>C]TGCAGAGGAATAAGTCGAAAGGACTGCTCTGTGAGTAAATTTTTAAAAATGGATTATTAC-3'
Protein context (NP_001371661.1, residues 973-993): TEQSFRLIPL[Gln983=]HSKVASVVRD